The following is an entry in ClinVar:

ClinVar aggregate classification (germline): Uncertain significance (1 of 4 stars; one submission).

Conditions:
Hereditary cancer-predisposing syndrome. Also called: Neoplastic Syndromes, Hereditary; Tumor predisposition; Hereditary Cancer Syndrome; Hereditary neoplastic syndrome. Identifiers: Orphanet 140162, MedGen C0027672, MeSH D009386, MONDO:0015356.

Submission:

Ambry Genetics
Classification: Uncertain significance for Hereditary cancer-predisposing syndrome. Last evaluated: 2022-08-28. Review status: criteria provided, single submitter. Criteria: Ambry Variant Classification Scheme 2023. Collection method: clinical testing. Allele origin: germline.
Comment: The p.S1257L variant (also known as c.3770C>T), located in coding exon 25 of the RAD50 gene, results from a C to T substitution at nucleotide position 3770. The serine at codon 1257 is replaced by leucine, an amino acid with dissimilar properties. This amino acid position is conserved. In addition, this alteration is predicted to be tolerated by in silico analysis. Since supporting evidence is limited at this time, the clinical significance of this alteration remains unclear.

NM_005732.4(RAD50):c.3770C>T (p.Ser1257Leu)

Genes: RAD50 (RAD50 double strand break repair protein; plus strand), TH2-LCR (Th2 cytokine locus control region; plus strand), TH2LCRR (T helper type 2 locus control region associated RNA; minus strand). Cytogenetic location: 5q31.1.
Variant type: single nucleotide variant.
Coding change: c.3770C>T on transcript NM_005732.4 (MANE Select); coding-DNA position 3770, C replaced by T.
Protein change: p.Ser1257Leu; replaces serine 1257 with leucine.
Molecular consequence: missense variant.
Genome position (GRCh38, 1-based): chr5:132,642,195, C>T. VCF-style: chr5-132642195-C-T. GRCh37 (hg19) VCF-style: chr5-131977887-C-T.
Other names: short protein forms S1257L.
Identifiers: ClinVar variation 1734764 (VCV001734764.2), dbSNP rs1060501933, ClinGen allele CA360935659.